The following is an entry in ClinVar:

NM_182931.3(KMT2E):c.3159G>A (p.Leu1053=)

Gene: KMT2E (lysine methyltransferase 2E (inactive); plus strand). Cytogenetic location: 7q22.3.
Variant type: single nucleotide variant.
Coding change: c.3159G>A on transcript NM_182931.3 (MANE Select); coding-DNA position 3159, G replaced by A.
Protein change: p.Leu1053=; no amino-acid change (leucine 1053 retained).
Molecular consequence: synonymous variant.
Genome position (GRCh38, 1-based): chr7:105,107,616, G>A. VCF-style: chr7-105107616-G-A. GRCh37 (hg19) VCF-style: chr7-104748063-G-A.
Other names: c.3159G>A, p.Leu1053= (NM_001410908.1, NM_018682.4).
Identifiers: ClinVar variation 4823440 (VCV004823440.4).

ClinVar aggregate classification (germline): Likely benign (1 of 4 stars; one submission).

gnomAD v4.1: 2 of 1,614,088 alleles (0.00012%); highest among the groups gnomAD compares: Admixed American, 0.0033%; no homozygotes.

Submission:

CeGaT Center for Human Genetics Tuebingen
Classification: Likely benign. Last evaluated: 2026-03-01. Review status: criteria provided, single submitter. Criteria: CeGaT Center For Human Genetics Tuebingen Variant Classification Criteria Version 2. Collection method: clinical testing. Allele origin: germline. Affected: yes. Observed: 1 variant allele.
Comment: KMT2E: BP4, BP7